The following is an entry in ClinVar:

NM_001146227.3(RPS20):c.334-11T>C

Gene: RPS20 (ribosomal protein S20; minus strand). Cytogenetic location: 8q12.1.
Variant type: single nucleotide variant.
Coding change: c.334-11T>C on transcript NM_001146227.3; 11 bases into the intron before coding-DNA position 334, T replaced by C.
Molecular consequence: intron variant.
Genome position (GRCh38, 1-based): chr8:56,069,844, A>G on the plus strand (T>C on the coding strand, the complement: RPS20 is on the minus strand). VCF-style: chr8-56069844-A-G. GRCh37 (hg19) VCF-style: chr8-56982403-A-G.
Identifiers: ClinVar variation 5042309 (VCV005042309.1).

ClinVar aggregate classification (germline): Likely benign (1 of 4 stars; one submission).

Conditions:
Familial colorectal cancer type X. Identifiers: Orphanet 440437, MedGen C3896578, MONDO:0018604.

gnomAD v4.1: 2 of 1,404,866 alleles (0.00014%); highest among the groups gnomAD compares: Non-Finnish European, 0.0002%; no homozygotes.

Submission:

Myriad Genetics, Inc.
Classification: Likely benign for Familial colorectal cancer type X. Last evaluated: 2026-07-31. Review status: criteria provided, single submitter. Criteria: Myriad Autosomal Dominant, Autosomal Recessive and X-Linked Classification Criteria (2023). Collection method: clinical testing. Allele origin: unknown.
Comment: This variant is considered likely benign. This variant is intronic and is not expected to impact mRNA splicing.